The following is an entry in ClinVar:

ClinVar aggregate classification (germline): Uncertain significance (1 of 4 stars; one submission).

Conditions:
Cardiovascular phenotype. Identifiers: MedGen CN230736.

Submission:

Ambry Genetics
Classification: Uncertain significance for Cardiovascular phenotype. Last evaluated: 2021-07-12. Review status: criteria provided, single submitter. Criteria: Ambry Variant Classification Scheme 2023. Collection method: clinical testing. Allele origin: germline.
Comment: The p.K843N variant (also known as c.2529G>C), located in coding exon 19 of the MYH6 gene, results from a G to C substitution at nucleotide position 2529. The lysine at codon 843 is replaced by asparagine, an amino acid with similar properties. This amino acid position is conserved. In addition, this alteration is predicted to be tolerated by in silico analysis. Since supporting evidence is limited at this time, the clinical significance of this alteration remains unclear.

NM_002471.4(MYH6):c.2529G>C (p.Lys843Asn)

Gene: MYH6 (myosin heavy chain 6; minus strand). Cytogenetic location: 14q11.2.
Variant type: single nucleotide variant.
Coding change: c.2529G>C on transcript NM_002471.4 (MANE Select); coding-DNA position 2529, G replaced by C.
Protein change: p.Lys843Asn; replaces lysine 843 with asparagine.
Molecular consequence: missense variant.
Genome position (GRCh38, 1-based): chr14:23,394,224, C>G on the plus strand (G>C on the coding strand, the complement: MYH6 is on the minus strand). VCF-style: chr14-23394224-C-G. GRCh37 (hg19) VCF-style: chr14-23863433-C-G.
Other names: short protein forms K843N.
Identifiers: ClinVar variation 1792636 (VCV001792636.2), dbSNP rs2502172291, ClinGen allele CA389014450.